The following is an entry in ClinVar:

ClinVar aggregate classification (germline): Likely pathogenic. Review status: criteria provided, single submitter (1 of 4 stars). 3 submissions from 3 submitters: Likely pathogenic (1). 2 of the submissions do not count toward it. Last evaluated 2021-04-01.

Conditions:
Neurodevelopmental disorder with language impairment and behavioral abnormalities. Also called: GRIA2-related neurodevelopmental disorder. Identifiers: MedGen C5394502, MONDO:0030060, OMIM 618917.

Submissions (3):

SIB Swiss Institute of Bioinformatics
Classification: Likely pathogenic for Neurodevelopmental disorder with language impairment and behavioral abnormalities. Last evaluated: 2021-04-01. Review status: criteria provided, single submitter. Criteria: ACMG Guidelines, 2015. Collection method: curation. Allele origin: unknown.
Comment: This variant is interpreted as a likely pathogenic for Neurodevelopmental disorder with language impairment and behavioral abnormalities, autosomal dominant. The following ACMG Tag(s) were applied: Absent from controls (or at extremely low frequency if recessive) in Exome Sequencing Project, 1000 Genomes Project, or Exome Aggregation Consortium (PM2); De novo (paternity and maternity confirmed) (PS2 downgraded to moderate); Multiple lines of computational evidence support a deleterious effect on the gene or gene product (PP3); Missense variant in a gene that has a low rate of benign missense variation and in which missense variants are a common mechanism of disease (PP2); Well-established functional studies show a deleterious effect (PS3 downgraded to supporting).

OMIM
Classification: Pathogenic for NEURODEVELOPMENTAL DISORDER WITH LANGUAGE IMPAIRMENT AND BEHAVIORAL ABNORMALITIES. Last evaluated: 2020-06-25. Review status: no assertion criteria provided. Collection method: literature only. Allele origin: germline. Not counted in ClinVar's aggregate classification.

Genomics England Pilot Project, Genomics England
Classification: Likely pathogenic for Neurodevelopmental disorder with language impairment and behavioral abnormalities. Review status: no assertion criteria provided. Criteria: ACGS Guidelines, 2016. Collection method: clinical testing. Allele origin: germline. Affected: yes. Not counted in ClinVar's aggregate classification.

Literature cited by the submitters: PubMed 31300657 (cited by SIB Swiss Institute of Bioinformatics and OMIM).

NM_001083619.3(GRIA2):c.1825G>A (p.Gly609Arg)

Gene: GRIA2 (glutamate ionotropic receptor AMPA type subunit 2; plus strand). Cytogenetic location: 4q32.1.
Variant type: single nucleotide variant.
Coding change: c.1825G>A on transcript NM_001083619.3 (MANE Select); coding-DNA position 1825, G replaced by A.
Protein change: p.Gly609Arg; replaces glycine 609 with arginine.
Molecular consequence: missense variant.
Genome position (GRCh38, 1-based): chr4:157,336,728, G>A. VCF-style: chr4-157336728-G-A. GRCh37 (hg19) VCF-style: chr4-158257880-G-A.
Other names: c.1825G>A, p.Gly609Arg (NM_000826.6); c.1684G>A, p.Gly562Arg (NM_001083620.3, NM_001379000.3, NM_001379001.3); short protein forms G609R, G562R.
Identifiers: ClinVar variation 929838 (VCV000929838.4), dbSNP rs1735303754, ClinGen allele CA358648685.